The following is an entry in ClinVar:

NM_002691.4(POLD1):c.3015C>T (p.Phe1005=)

Gene: POLD1 (DNA polymerase delta 1, catalytic subunit; plus strand). Cytogenetic location: 19q13.33.
Variant type: single nucleotide variant.
Coding change: c.3015C>T on transcript NM_002691.4 (MANE Select); coding-DNA position 3015, C replaced by T.
Protein change: p.Phe1005=; no amino-acid change (phenylalanine 1005 retained).
Molecular consequence: synonymous variant. On other transcripts: non-coding transcript variant (1).
Genome position (GRCh38, 1-based): chr19:50,416,671, C>T. VCF-style: chr19-50416671-C-T. GRCh37 (hg19) VCF-style: chr19-50919928-C-T.
Other names: c.3015C>T, p.Phe1005= (NM_001256849.1); c.3093C>T, p.Phe1031= (NM_001308632.1).
Identifiers: ClinVar variation 414769 (VCV000414769.45), dbSNP rs752830545, ClinGen allele CA9596727.

ClinVar aggregate classification (germline): Benign/Likely benign. Review status: criteria provided, multiple submitters, no conflicts (2 of 4 stars). 7 submissions from 7 submitters: Benign (1); Likely benign (5). 1 of the submissions does not count toward it. Last evaluated 2026-01-27.

Conditions:
Immunodeficiency 120. Identifiers: MedGen C5935622, MONDO:0970994, OMIM 620836.
Mandibular hypoplasia-deafness-progeroid syndrome. Also called: Mandibular hypoplasia, deafness, progeroid features, and lipodystrophy syndrome. Identifiers: Orphanet 363649, MedGen C3715192, MONDO:0014157, OMIM 615381.
POLD1-related polyposis and colorectal cancer syndrome (CRCS10). Also called: COLORECTAL CANCER, SUSCEPTIBILITY TO, ON CHROMOSOME 19q; Colorectal cancer 10; Colorectal cancer, susceptibility to, 10. Identifiers: Orphanet 220460, MedGen C2675481, MONDO:0012953, OMIM 612591.
POLD1-related disorder. Also called: POLD1-related condition; POLD1-related disorders.
Hereditary cancer-predisposing syndrome. Also called: Tumor predisposition; Hereditary neoplastic syndrome; Hereditary Cancer Syndrome; Neoplastic Syndromes, Hereditary. Identifiers: Orphanet 140162, MedGen C0027672, MeSH D009386, MONDO:0015356.

Allele frequency attached by ClinVar (database versions not stated): TOPMed 0.00003; gnomAD 0.00004; gnomAD exomes 0.00008; ExAC 0.00029.
gnomAD v4.1: 68 of 1,556,456 alleles (0.0044%); highest among the groups gnomAD compares: South Asian, 0.035%; no homozygotes.

Submissions (7):

Labcorp Genetics (formerly Invitae), Labcorp
Classification: Likely benign for POLD1-related polyposis and colorectal cancer syndrome. Last evaluated: 2026-01-27. Review status: criteria provided, single submitter. Criteria: Invitae Variant Classification Sherloc (09022015). Collection method: clinical testing. Allele origin: germline.

Department of Pathology and Laboratory Medicine, Sinai Health System
Classification: Likely benign for POLD1-related polyposis and colorectal cancer syndrome; Mandibular hypoplasia-deafness-progeroid syndrome; Immunodeficiency 120. Last evaluated: 2024-07-29. Review status: criteria provided, single submitter. Criteria: ACMG Guidelines, 2015. Collection method: clinical testing. Allele origin: germline.

CeGaT Center for Human Genetics Tuebingen
Classification: Likely benign. Last evaluated: 2023-03-01. Review status: criteria provided, single submitter. Criteria: CeGaT Center For Human Genetics Tuebingen Variant Classification Criteria Version 2. Collection method: clinical testing. Allele origin: germline. Affected: yes. Observed: 1 variant allele.
Comment: POLD1: BP4, BP7

GeneDx
Classification: Likely benign. Last evaluated: 2019-02-18. Review status: criteria provided, single submitter. Criteria: GeneDx Variant Classification Process June 2021. Collection method: clinical testing. Allele origin: germline. Affected: yes.

Quest Diagnostics Nichols Institute San Juan Capistrano
Classification: Benign. Last evaluated: 2018-12-03. Review status: criteria provided, single submitter. Criteria: Quest Diagnostics criteria. Collection method: clinical testing. Allele origin: germline.

Ambry Genetics
Classification: Likely benign for Hereditary cancer-predisposing syndrome. Last evaluated: 2015-12-04. Review status: criteria provided, single submitter. Criteria: Ambry Variant Classification Scheme 2023. Collection method: clinical testing. Allele origin: germline.

PreventionGenetics, part of Exact Sciences
Classification: Likely benign for POLD1-related condition. Last evaluated: 2019-09-23. Review status: no assertion criteria provided. Collection method: clinical testing. Allele origin: germline. Not counted in ClinVar's aggregate classification.
Comment: This variant is classified as likely benign based on ACMG/AMP sequence variant interpretation guidelines (Richards et al. 2015 PMID: 25741868, with internal and published modifications).